The following is an entry in ClinVar:

NM_001987.5(ETV6):c.380G>A (p.Arg127Gln)

Gene: ETV6 (ETS variant transcription factor 6; plus strand). Cytogenetic location: 12p13.2.
Variant type: single nucleotide variant.
Coding change: c.380G>A on transcript NM_001987.5 (MANE Select); coding-DNA position 380, G replaced by A.
Protein change: p.Arg127Gln; replaces arginine 127 with glutamine.
Molecular consequence: missense variant.
Genome position (GRCh38, 1-based): chr12:11,853,478, G>A. VCF-style: chr12-11853478-G-A. GRCh37 (hg19) VCF-style: chr12-12006412-G-A.
Other names: short protein forms R127Q.
Identifiers: ClinVar variation 1033878 (VCV001033878.18), dbSNP rs140357643, ClinGen allele CA6454227.
Genomic context (GRCh38, chr12:11,853,478, plus strand): 5'-TCTTTCCAGGTGATGTGCTCTATGAACTCCTTCAGCATATTCTGAAGCAGAGGAAACCTC[G>A]GATTCTTTTTTCACCATTCTTCCACCCTGGAAACTCTATACACACACAGCCGGAGGTCAT-3'
Protein context (NP_001978.1, residues 117-137): LQHILKQRKP[Arg127Gln]ILFSPFFHPG

ClinVar aggregate classification (germline): Conflicting classifications of pathogenicity. Review status: criteria provided, conflicting classifications (1 of 4 stars). 9 submissions from 9 submitters: Uncertain significance (2); Benign (1); Likely benign (5). 1 of the submissions does not count toward it. Last evaluated 2026-09-01.

Conditions:
Inborn genetic diseases. Identifiers: MedGen C0950123, MeSH D030342.
Thrombocytopenia 5 (THC5). Also called: THROMBOCYTOPENIA 5 WITH INCREASED SUSCEPTIBILITY TO MALIGNANCY; THROMBOCYTOPENIA, AUTOSOMAL DOMINANT, 5. Identifiers: MedGen C4015537, MONDO:0014536, OMIM 616216.
ETV6-related disorder. Also called: ETV6-related condition.

Allele frequency attached by ClinVar (database versions not stated): 1000 Genomes Project 30x 0.00016; ExAC 0.00053; gnomAD exomes 0.00056 and 0.00115; gnomAD 0.00063 and 0.00068; TOPMed 0.00065; ESP Exome Variant Server 0.00085.
gnomAD v4.1: 1,726 of 1,614,174 alleles (0.11%); highest among the groups gnomAD compares: Non-Finnish European, 0.14%; 3 homozygotes.

Submissions (9):

CeGaT Center for Human Genetics Tuebingen
Classification: Likely benign. Last evaluated: 2026-09-01. Review status: criteria provided, single submitter. Criteria: CeGaT Center For Human Genetics Tuebingen Variant Classification Criteria Version 2. Collection method: clinical testing. Allele origin: germline. Affected: yes. Observed: 1 variant allele.
Comment: ETV6: BS1

Labcorp Genetics (formerly Invitae), Labcorp
Classification: Likely benign. Last evaluated: 2026-01-25. Review status: criteria provided, single submitter. Criteria: Invitae Variant Classification Sherloc (09022015). Collection method: clinical testing. Allele origin: germline.

Laboratory of Genetics, Children's Clinical University Hospital Latvia
Classification: Likely benign. Last evaluated: 2025-02-16. Review status: criteria provided, single submitter. Criteria: ACMG Guidelines, 2015. Collection method: clinical testing. Allele origin: germline. Affected: yes.

Blueprint Genetics
Classification: Likely benign. Last evaluated: 2024-10-17. Review status: criteria provided, single submitter. Criteria: ACMG Guidelines, 2015. Collection method: clinical testing. Allele origin: germline.

Ambry Genetics
Classification: Benign for Inborn genetic diseases. Last evaluated: 2024-07-30. Review status: criteria provided, single submitter. Criteria: Ambry Variant Classification Scheme 2023. Collection method: clinical testing. Allele origin: germline.

Genetic Services Laboratory, University of Chicago
Classification: Uncertain significance. Last evaluated: 2021-08-11. Review status: criteria provided, single submitter. Criteria: ACMG Guidelines, 2015. Collection method: clinical testing. Allele origin: germline. Affected: no.
Comment: DNA sequence analysis of the ETV6 gene demonstrated a sequence change, c.380G>A, in exon 4 that results in an amino acid change, p.Arg127Gln. This sequence change has been described in the gnomAD database with a frequency of 0.11% in the European (non-Finnish) subpopulation (dbSNP rs140357643). The p.Arg127Gln change affects a highly conserved amino acid residue located in a domain of the ETV6 protein that is known to be functional. In-silico pathogenicity prediction tools (SIFT, PolyPhen2, Align GVGD, REVEL) provide contradictory results for the p.Arg127Gln substitution. This sequence change has been reported as a variant of uncertain significance in an individual with chronic myelogenous leukemia in both tumor tissue and germline tissue (PMID: 293653230). Due to insufficient evidences and the lack of functional studies, the clinical significance of the p.Arg127Gln change remains unknown at this time.

GeneDx
Classification: Likely benign. Last evaluated: 2020-12-22. Review status: criteria provided, single submitter. Criteria: GeneDx Variant Classification Process June 2021. Collection method: clinical testing. Allele origin: germline. Affected: yes.
Comment: In silico analysis supports that this missense variant does not alter protein structure/function; Observed in a patient with chronic myelomonocytic leukemia (Drazer 2018); This variant is associated with the following publications: (PMID: 29365323, 12210491)

Baylor Genetics
Classification: Uncertain significance for Thrombocytopenia 5. Last evaluated: 2018-09-28. Review status: criteria provided, single submitter. Criteria: ACMG Guidelines, 2015. Collection method: clinical testing. Allele origin: unknown. Affected: yes.
Comment: This variant was determined to be of uncertain significance according to ACMG Guidelines, 2015 [PMID:25741868]. It was reported as a germline variant of unknown significance in one individual with chronic myeloid leukemia [PMID 29365323]

PreventionGenetics, part of Exact Sciences
Classification: Likely benign for ETV6-related condition. Last evaluated: 2022-03-17. Review status: no assertion criteria provided. Collection method: clinical testing. Allele origin: germline. Not counted in ClinVar's aggregate classification.
Comment: This variant is classified as likely benign based on ACMG/AMP sequence variant interpretation guidelines (Richards et al. 2015 PMID: 25741868, with internal and published modifications).

Literature cited by the submitters: PubMed 29365323 (cited by Baylor Genetics).